The following is an entry in ClinVar:

NM_000152.5(GAA):c.2439dup (p.Ile814fs)

Gene: GAA (alpha glucosidase; plus strand). Cytogenetic location: 17q25.3.
Variant type: Duplication.
Coding change: c.2439dup on transcript NM_000152.5 (MANE Select); coding-DNA position 2439, one base duplicated (C; older notation c.2439dupC).
Protein change: p.Ile814fs; shifts the reading frame from isoleucine 814.
Molecular consequence: frameshift variant.
Genome position (GRCh38, 1-based): chr17:80,117,707, C duplicated; the last of 2 consecutive C bases (chr17:80,117,706-80,117,707); duplicating either gives the same sequence. VCF-style (leftmost placement, unchanged base first): chr17-80117705-A-AC. GRCh37 (hg19) VCF-style: chr17-78091504-A-AC.
Other names: c.2439dup, p.Ile814fs (NM_001079804.3, NM_001406741.1, NM_001406742.1 and 1 more transcripts); short protein forms I814fs.
Identifiers: ClinVar variation 4876564 (VCV004876564.1).

ClinVar aggregate classification (germline): Pathogenic (1 of 4 stars; one submission).

Conditions:
Glycogen storage disease, type II (IOPD). Also called: Pompe Disease; CARDIOMEGALIA GLYCOGENICA DIFFUSA; GLYCOGENOSIS, GENERALIZED, CARDIAC FORM; GSD II; POMPE DISEASE, INFANTILE-ONSET; GLYCOGEN STORAGE DISEASE II, INFANTILE-ONSET. Identifiers: Orphanet 365, MedGen C0017921, MONDO:0009290, OMIM 232300.

Submission:

Genomenon, Inc
Classification: Pathogenic for Glycogen storage disease, type II. Last evaluated: 2026-07-01. Review status: criteria provided, single submitter. Criteria: Genomenon Sequence Variant Interpretation Standards - Updated. Collection method: curation. Allele origin: germline. Affected: yes.
Comment: GAA p.Ile814HisfsTer70 (c.2439dup) is a frameshift variant that is predicted to introduce a premature termination codon and result in a truncated or absent protein product. This variant has been observed in at least one proband with a GAA-related disorder (PMID:22252923). It is absent or not present at a significant frequency in gnomAD. In conclusion, we classify GAA p.Ile814HisfsTer70 (c.2439dup) as a pathogenic variant.

Literature cited by the submitters: PubMed 22252923.